The following is an entry in ClinVar:

NM_000100.4(CSTB):c.66+108T>C

Genes: CSTB (cystatin B; minus strand), LOC130066788 (ATAC-STARR-seq lymphoblastoid silent region 13368; plus strand). Cytogenetic location: 21q22.3.
Variant type: single nucleotide variant.
Coding change: c.66+108T>C on transcript NM_000100.4 (MANE Select); 108 bases into the intron after coding-DNA position 66, T replaced by C.
Molecular consequence: intron variant.
Genome position (GRCh38, 1-based): chr21:43,776,096, A>G on the plus strand (T>C on the coding strand, the complement: CSTB is on the minus strand). VCF-style: chr21-43776096-A-G. GRCh37 (hg19) VCF-style: chr21-45195977-A-G.
Identifiers: ClinVar variation 677583 (VCV000677583.2), dbSNP rs6370, ClinGen allele CA321727702.

ClinVar aggregate classification (germline): Likely benign. Review status: criteria provided, multiple submitters, no conflicts (2 of 4 stars). 2 submissions from 2 submitters: Likely benign (2). Last evaluated 2018-06-14.

Allele frequency attached by ClinVar (database versions not stated): gnomAD exomes 0.00089; TOPMed 0.01099; 1000 Genomes Project 0.01518; 1000 Genomes Project 30x 0.01530.
gnomAD v4.1: 2,499 of 1,062,914 alleles (0.24%); highest among the groups gnomAD compares: African/African-American, 3.8%; 48 homozygotes.

Submissions (2):

GeneDx
Classification: Likely benign. Last evaluated: 2018-06-14. Review status: criteria provided, single submitter. Criteria: GeneDx Variant Classification (06012015). Collection method: clinical testing. Allele origin: germline. Affected: yes.
Comment: This variant is considered likely benign or benign based on one or more of the following criteria: it is a conservative change, it occurs at a poorly conserved position in the protein, it is predicted to be benign by multiple in silico algorithms, and/or has population frequency not consistent with disease.

Breakthrough Genomics
Classification: Likely benign. Review status: criteria provided, single submitter. Criteria: ACMG Guidelines, 2015. Collection method: not provided. Allele origin: germline. Inheritance: Autosomal recessive inheritance. Affected: yes.